The following is an entry in ClinVar:

ClinVar aggregate classification (germline): Uncertain significance (1 of 4 stars; one submission).

Conditions:
Cardiovascular phenotype. Identifiers: MedGen CN230736.

Submission:

Ambry Genetics
Classification: Uncertain significance for Cardiovascular phenotype. Last evaluated: 2025-07-28. Review status: criteria provided, single submitter. Criteria: Ambry Variant Classification Scheme 2023. Collection method: clinical testing. Allele origin: germline.
Comment: The p.P899L variant (also known as c.2696C>T), located in coding exon 1 of the ZNF469 gene, results from a C to T substitution at nucleotide position 2696. The proline at codon 899 is replaced by leucine, an amino acid with similar properties. This amino acid position is conserved. In addition, this alteration is predicted to be tolerated by in silico analysis. Based on the available evidence, the clinical significance of this variant remains unclear.

NM_001127464.1:c.2696C>T

Gene: ZNF469 (zinc finger protein 469; plus strand).
Variant type: single nucleotide variant.
Identifiers: ClinVar variation 4209181 (VCV004209181.1).